The following is an entry in ClinVar:

ClinVar aggregate classification (germline): Uncertain significance (1 of 4 stars; one submission).

Conditions:
Epileptic encephalopathy. Identifiers: MedGen C0543888, HP:0200134.

gnomAD v4.1: 1 of 1,613,554 alleles (0.000062%); highest among the groups gnomAD compares: Admixed American, 0.0017%; no homozygotes.

Submission:

Labcorp Genetics (formerly Invitae), Labcorp
Classification: Uncertain significance for Epileptic encephalopathy. Last evaluated: 2018-02-24. Review status: criteria provided, single submitter. Criteria: Invitae Variant Classification Sherloc (09022015). Collection method: clinical testing. Allele origin: germline.
Comment: In summary, the available evidence is currently insufficient to determine the role of this variant in disease. Therefore, it has been classified as a Variant of Uncertain Significance. Algorithms developed to predict the effect of missense changes on protein structure and function do not agree on the potential impact of this missense change (SIFT: "Deleterious"; PolyPhen-2: "Benign"; Align-GVGD: "Class C0"). This variant has not been reported in the literature in individuals with RYR3-related disease. This variant is not present in population databases (ExAC no frequency). This sequence change replaces arginine with leucine at codon 3562 of the RYR3 protein (p.Arg3562Leu). The arginine residue is moderately conserved and there is a moderate physicochemical difference between arginine and leucine.

NM_001036.6(RYR3):c.10685G>T (p.Arg3562Leu)

Gene: RYR3 (ryanodine receptor 3; plus strand). Cytogenetic location: 15q14.
Variant type: single nucleotide variant.
Coding change: c.10685G>T on transcript NM_001036.6 (MANE Select); coding-DNA position 10685, G replaced by T.
Protein change: p.Arg3562Leu; replaces arginine 3562 with leucine.
Molecular consequence: missense variant.
Genome position (GRCh38, 1-based): chr15:33,818,663, G>T. VCF-style: chr15-33818663-G-T. GRCh37 (hg19) VCF-style: chr15-34110864-G-T.
Other names: c.10670G>T, p.Arg3557Leu (NM_001243996.4); short protein forms R3562L, R3557L.
Identifiers: ClinVar variation 577081 (VCV000577081.8), dbSNP rs780080294, ClinGen allele CA391585792.